The following is an entry in ClinVar:

NM_013275.6(ANKRD11):c.224C>G (p.Thr75Arg)

Gene: ANKRD11 (ankyrin repeat domain containing 11; minus strand). Cytogenetic location: 16q24.3.
Variant type: single nucleotide variant.
Coding change: c.224C>G on transcript NM_013275.6 (MANE Select); coding-DNA position 224, C replaced by G.
Protein change: p.Thr75Arg; replaces threonine 75 with arginine.
Molecular consequence: missense variant. On other transcripts: non-coding transcript variant (1).
Genome position (GRCh38, 1-based): chr16:89,305,208, G>C on the plus strand (C>G on the coding strand, the complement: ANKRD11 is on the minus strand). VCF-style: chr16-89305208-G-C. GRCh37 (hg19) VCF-style: chr16-89371616-G-C.
Other names: c.224C>G, p.Thr75Arg (NM_001256182.2, NM_001256183.2); short protein forms T75R.
Identifiers: ClinVar variation 1304603 (VCV001304603.2), dbSNP rs1196392572, ClinGen allele CA397163859.

ClinVar aggregate classification (germline): Uncertain significance (1 of 4 stars; one submission).

Allele frequency attached by ClinVar (database versions not stated): gnomAD exomes below 0.00001.
gnomAD v4.1: 4 of 1,612,196 alleles (0.00025%); highest among the groups gnomAD compares: African/African-American, 0.0013%; no homozygotes.

Submission:

GeneDx
Classification: Uncertain significance. Last evaluated: 2019-06-18. Review status: criteria provided, single submitter. Criteria: GeneDx Variant Classification Process June 2021. Collection method: clinical testing. Allele origin: germline. Affected: yes.
Comment: Not observed at a significant frequency in large population cohorts (Lek et al., 2016); In silico analysis, which includes protein predictors and evolutionary conservation, supports a deleterious effect; Has not been previously published as pathogenic or benign to our knowledge